The following is an entry in ClinVar:

NM_014263.4(YME1L1):c.88T>G (p.Ser30Ala)

Gene: YME1L1 (YME1 like 1 ATPase; minus strand). Cytogenetic location: 10p12.1.
Variant type: single nucleotide variant.
Coding change: c.88T>G on transcript NM_014263.4 (MANE Select); coding-DNA position 88, T replaced by G.
Protein change: p.Ser30Ala; replaces serine 30 with alanine.
Molecular consequence: missense variant.
Genome position (GRCh38, 1-based): chr10:27,148,986, A>C on the plus strand (T>G on the coding strand, the complement: YME1L1 is on the minus strand). VCF-style: chr10-27148986-A-C. GRCh37 (hg19) VCF-style: chr10-27437915-A-C.
Other names: c.88T>G, p.Ser30Ala (NM_001253866.2, NM_139312.3); short protein forms S30A.
Identifiers: ClinVar variation 2898066 (VCV002898066.3), dbSNP rs376028435, ClinGen allele CA5449764.

ClinVar aggregate classification (germline): Uncertain significance (1 of 4 stars; one submission).

Allele frequency attached by ClinVar (database versions not stated): ExAC 0.00001; gnomAD 0.00001; gnomAD exomes 0.00001; TOPMed 0.00003; ESP Exome Variant Server 0.00008.

Submission:

Labcorp Genetics (formerly Invitae), Labcorp
Classification: Uncertain significance. Last evaluated: 2023-11-13. Review status: criteria provided, single submitter. Criteria: Invitae Variant Classification Sherloc (09022015). Collection method: clinical testing. Allele origin: germline.
Comment: This sequence change replaces serine, which is neutral and polar, with alanine, which is neutral and non-polar, at codon 30 of the YME1L1 protein (p.Ser30Ala). This variant is present in population databases (rs376028435, gnomAD 0.003%). This variant has not been reported in the literature in individuals affected with YME1L1-related conditions. Algorithms developed to predict the effect of missense changes on protein structure and function output the following: SIFT: "Not Available"; PolyPhen-2: "Benign"; Align-GVGD: "Not Available". The alanine amino acid residue is found in multiple mammalian species, which suggests that this missense change does not adversely affect protein function. In summary, the available evidence is currently insufficient to determine the role of this variant in disease. Therefore, it has been classified as a Variant of Uncertain Significance.